The following is an entry in ClinVar:

ClinVar aggregate classification (germline): Pathogenic (1 of 4 stars; one submission).

Conditions:
Inflammatory skin and bowel disease, neonatal, 1. Identifiers: Orphanet 294023, MedGen C3280501, MONDO:0013693, OMIM 614328.

Submission:

Labcorp Genetics (formerly Invitae), Labcorp
Classification: Pathogenic for Inflammatory skin and bowel disease, neonatal, 1. Last evaluated: 2024-05-12. Review status: criteria provided, single submitter. Criteria: Invitae Variant Classification Sherloc (09022015). Collection method: clinical testing. Allele origin: germline.
Comment: This sequence change creates a premature translational stop signal (p.Arg211*) in the ADAM17 gene. It is expected to result in an absent or disrupted protein product. Loss-of-function variants in ADAM17 are known to be pathogenic (PMID: 22010916, 25804906). This variant is present in population databases (rs774040338, gnomAD 0.0009%). This variant has not been reported in the literature in individuals affected with ADAM17-related conditions. Algorithms developed to predict the effect of sequence changes on RNA splicing suggest that this variant may disrupt the consensus splice site. For these reasons, this variant has been classified as Pathogenic.

Literature cited by the submitters: PubMed 22010916; PubMed 25804906.

NM_003183.6(ADAM17):c.631C>T (p.Arg211Ter)

Gene: ADAM17 (ADAM metallopeptidase domain 17; minus strand). Cytogenetic location: 2p25.1.
Variant type: single nucleotide variant.
Coding change: c.631C>T on transcript NM_003183.6 (MANE Select); coding-DNA position 631, C replaced by T.
Protein change: p.Arg211Ter; replaces arginine 211 with a stop codon.
Molecular consequence: nonsense. On other transcripts: 5 prime UTR variant (2).
Genome position (GRCh38, 1-based): chr2:9,526,233, G>A on the plus strand (C>T on the coding strand, the complement: ADAM17 is on the minus strand). VCF-style: chr2-9526233-G-A. GRCh37 (hg19) VCF-style: chr2-9666362-G-A.
Other names: c.-30C>T (NM_001382777.1); c.-272C>T (NM_001382778.1); short protein forms R211*.
Identifiers: ClinVar variation 3610015 (VCV003610015.2).